The following is an entry in ClinVar:

ClinVar aggregate classification (germline): Conflicting classifications of pathogenicity. Review status: criteria provided, conflicting classifications (1 of 4 stars). 2 submissions from 2 submitters: Uncertain significance (1); Likely benign (1). Last evaluated 2026-08-05.

Conditions:
Neurofibromatosis, type 1 (NF1). Also called: Peripheral type neurofibromatosis; Neurofibromatosis, type I; VON RECKLINGHAUSEN DISEASE; NEUROFIBROMATOSIS, TYPE I, SOMATIC. Identifiers: Orphanet 636, MedGen C0027831, MONDO:0018975, OMIM 162200. Disease mechanism: loss of function.
Cardiovascular phenotype. Identifiers: MedGen CN230736.
Hereditary cancer-predisposing syndrome. Also called: Hereditary Cancer Syndrome; Hereditary neoplastic syndrome; Neoplastic Syndromes, Hereditary; Tumor predisposition. Identifiers: Orphanet 140162, MedGen C0027672, MeSH D009386, MONDO:0015356.

gnomAD v4.1: 2 of 1,613,950 alleles (0.00012%); highest among the groups gnomAD compares: Non-Finnish European, 0.00017%; no homozygotes.

Submissions (2):

Ambry Genetics
Classification: Likely benign for Cardiovascular phenotype; Hereditary cancer-predisposing syndrome. Last evaluated: 2026-08-05. Review status: criteria provided, single submitter. Criteria: Ambry Variant Classification Scheme 2023. Collection method: clinical testing. Allele origin: germline.

Labcorp Genetics (formerly Invitae), Labcorp
Classification: Uncertain significance for Neurofibromatosis, type 1. Last evaluated: 2023-05-25. Review status: criteria provided, single submitter. Criteria: Invitae Variant Classification Sherloc (09022015). Collection method: clinical testing. Allele origin: germline.
Comment: This variant has not been reported in the literature in individuals affected with NF1-related conditions. This variant is not present in population databases (gnomAD no frequency). This sequence change replaces valine, which is neutral and non-polar, with methionine, which is neutral and non-polar, at codon 2577 of the NF1 protein (p.Val2577Met). Algorithms developed to predict the effect of missense changes on protein structure and function output the following: SIFT: "Not Available"; PolyPhen-2: "Probably Damaging"; Align-GVGD: "Not Available". The methionine amino acid residue is found in multiple mammalian species, which suggests that this missense change does not adversely affect protein function. In summary, the available evidence is currently insufficient to determine the role of this variant in disease. Therefore, it has been classified as a Variant of Uncertain Significance.

NM_001042492.3(NF1):c.7792G>A (p.Val2598Met)

Gene: NF1 (neurofibromin 1; plus strand). Cytogenetic location: 17q11.2.
Variant type: single nucleotide variant.
Coding change: c.7792G>A on transcript NM_001042492.3 (MANE Select); coding-DNA position 7792, G replaced by A.
Protein change: p.Val2598Met; replaces valine 2598 with methionine.
Molecular consequence: missense variant.
Genome position (GRCh38, 1-based): chr17:31,357,013, G>A. VCF-style: chr17-31357013-G-A. GRCh37 (hg19) VCF-style: chr17-29684031-G-A.
Other names: c.7729G>A, p.Val2577Met (NM_000267.4); short protein forms V2577M, V2598M.
Identifiers: ClinVar variation 2917696 (VCV002917696.5), dbSNP rs2151582315, ClinGen allele CA399018477.